The following is an entry in ClinVar:

ClinVar aggregate classification (germline): Uncertain significance. Review status: criteria provided, multiple submitters, no conflicts (2 of 4 stars). 2 submissions from 2 submitters: Uncertain significance (2). Last evaluated 2025-08-05.

Conditions:
Inborn genetic diseases. Identifiers: MedGen C0950123, MeSH D030342.

Allele frequency attached by ClinVar (database versions not stated): gnomAD exomes 0.00001.
gnomAD v4.1: 4 of 1,606,626 alleles (0.00025%); highest among the groups gnomAD compares: Admixed American, 0.0068%; no homozygotes.

Submissions (2):

Ambry Genetics
Classification: Uncertain significance for Inborn genetic diseases. Last evaluated: 2025-08-05. Review status: criteria provided, single submitter. Criteria: Ambry Variant Classification Scheme 2023. Collection method: clinical testing. Allele origin: germline.

Labcorp Genetics (formerly Invitae), Labcorp
Classification: Uncertain significance. Last evaluated: 2024-02-08. Review status: criteria provided, single submitter. Criteria: Invitae Variant Classification Sherloc (09022015). Collection method: clinical testing. Allele origin: germline.
Comment: This sequence change replaces proline, which is neutral and non-polar, with serine, which is neutral and polar, at codon 169 of the FAR1 protein (p.Pro169Ser). This variant is present in population databases (rs761885527, gnomAD 0.01%). This variant has not been reported in the literature in individuals affected with FAR1-related conditions. ClinVar contains an entry for this variant (Variation ID: 1923217). Advanced modeling of protein sequence and biophysical properties (such as structural, functional, and spatial information, amino acid conservation, physicochemical variation, residue mobility, and thermodynamic stability) performed at Invitae indicates that this missense variant is not expected to disrupt FAR1 protein function with a negative predictive value of 80%. In summary, the available evidence is currently insufficient to determine the role of this variant in disease. Therefore, it has been classified as a Variant of Uncertain Significance.

NM_032228.6(FAR1):c.505C>T (p.Pro169Ser)

Gene: FAR1 (fatty acyl-CoA reductase 1; plus strand). Cytogenetic location: 11p15.3.
Variant type: single nucleotide variant.
Coding change: c.505C>T on transcript NM_032228.6 (MANE Select); coding-DNA position 505, C replaced by T.
Protein change: p.Pro169Ser; replaces proline 169 with serine.
Molecular consequence: missense variant.
Genome position (GRCh38, 1-based): chr11:13,708,039, C>T. VCF-style: chr11-13708039-C-T. GRCh37 (hg19) VCF-style: chr11-13729586-C-T.
Other names: c.505C>T (NM_032228.5); short protein forms P169S.
Identifiers: ClinVar variation 1923217 (VCV001923217.6), dbSNP rs761885527, ClinGen allele CA5893324.
Genomic context (GRCh38, chr11:13,708,039, plus strand): 5'-ATGCATGTATCAACAGCATATGCCTACTGTAATCGCAAGCATATTGATGAAGTAGTCTAT[C>T]CACCACCTGTGGATCCCAAGAAGCTGATTGATTCTTTAGAGTATGTTTGTTTGAAATTTA-3'
Protein context (NP_115604.1, residues 159-179): NRKHIDEVVY[Pro169Ser]PPVDPKKLID